The following is an entry in ClinVar:

NM_153448.4(ESX1):c.869G>C (p.Arg290Pro)

Gene: ESX1 (ESX homeobox 1; minus strand). Cytogenetic location: Xq22.2.
Variant type: single nucleotide variant.
Coding change: c.869G>C on transcript NM_153448.4 (MANE Select); coding-DNA position 869, G replaced by C.
Protein change: p.Arg290Pro; replaces arginine 290 with proline.
Molecular consequence: missense variant.
Genome position (GRCh38, 1-based): chrX:104,250,580, C>G on the plus strand (G>C on the coding strand, the complement: ESX1 is on the minus strand). VCF-style: chrX-104250580-C-G. GRCh37 (hg19) VCF-style: chrX-103495261-C-G.
Other names: c.869G>C (NM_153448.3); short protein forms R290P.
Identifiers: ClinVar variation 2661112 (VCV002661112.25), dbSNP rs782410327, ClinGen allele CA10480011.

ClinVar aggregate classification (germline): Conflicting classifications of pathogenicity. Review status: criteria provided, conflicting classifications (1 of 4 stars). 2 submissions from 2 submitters: Uncertain significance (1); Likely benign (1). Last evaluated 2024-12-01.

Allele frequency attached by ClinVar (database versions not stated): ExAC 0.00012; 1000 Genomes Project 30x 0.00042.
gnomAD v4.1: 72 of 1,151,565 alleles (0.0063%); highest among the groups gnomAD compares: East Asian, 0.12%; no homozygotes.

Submissions (2):

CeGaT Center for Human Genetics Tuebingen
Classification: Likely benign. Last evaluated: 2024-12-01. Review status: criteria provided, single submitter. Criteria: CeGaT Center For Human Genetics Tuebingen Variant Classification Criteria Version 2. Collection method: clinical testing. Allele origin: germline. Affected: yes. Observed: 4 variant alleles.
Comment: ESX1: BP4, BS2

Ambry Genetics
Classification: Uncertain significance. Last evaluated: 2023-10-13. Review status: criteria provided, single submitter. Criteria: Ambry Variant Classification Scheme 2023. Collection method: clinical testing. Allele origin: germline.